The following is an entry in ClinVar:

ClinVar aggregate classification (germline): Conflicting classifications of pathogenicity. Review status: criteria provided, conflicting classifications (1 of 4 stars). 2 submissions from 2 submitters: Uncertain significance (1); Likely benign (1). Last evaluated 2026-03-26.

Conditions:
Kleefstra syndrome 1 (KLEFS1). Identifiers: Orphanet 261494, MedGen C0795833, MONDO:0027407, OMIM 610253.
Inborn genetic diseases. Identifiers: MedGen C0950123, MeSH D030342.

gnomAD v4.1: 1 of 1,612,244 alleles (0.000062%); highest among the groups gnomAD compares: Non-Finnish European, 0.000085%; no homozygotes.

Submissions (2):

Ambry Genetics
Classification: Uncertain significance for Inborn genetic diseases. Last evaluated: 2026-03-26. Review status: criteria provided, single submitter. Criteria: Ambry Variant Classification Scheme 2023. Collection method: clinical testing. Allele origin: germline.
Comment: The c.2749G>A (p.G917S) alteration is located in exon 19 (coding exon 19) of the EHMT1 gene. This alteration results from a G to A substitution at nucleotide position 2749, causing the glycine (G) at amino acid position 917 to be replaced by a serine (S). Based on data from gnomAD, the A allele has an overall frequency of <0.001% (1/249686) total alleles studied. The highest observed frequency was 0.001% (1/113448) of European (non-Finnish) alleles. Based on insufficient or conflicting evidence, the clinical significance of this alteration remains unclear.

Labcorp Genetics (formerly Invitae), Labcorp
Classification: Likely benign for Kleefstra syndrome 1. Last evaluated: 2025-11-10. Review status: criteria provided, single submitter. Criteria: Invitae Variant Classification Sherloc (09022015). Collection method: clinical testing. Allele origin: germline.

NM_024757.5(EHMT1):c.2749G>A (p.Gly917Ser)

Gene: EHMT1 (euchromatic histone lysine methyltransferase 1; plus strand). Cytogenetic location: 9q34.3.
Variant type: single nucleotide variant.
Coding change: c.2749G>A on transcript NM_024757.5 (MANE Select); coding-DNA position 2749, G replaced by A.
Protein change: p.Gly917Ser; replaces glycine 917 with serine.
Molecular consequence: missense variant.
Genome position (GRCh38, 1-based): chr9:137,811,497, G>A. VCF-style: chr9-137811497-G-A. GRCh37 (hg19) VCF-style: chr9-140705949-G-A.
Other names: c.2749G>A (NM_024757.4); c.2728G>A, p.Gly910Ser (NM_001354263.2); short protein forms G910S, G917S.
Identifiers: ClinVar variation 4692767 (VCV004692767.2).
Genomic context (GRCh38, chr9:137,811,497, plus strand): 5'-GAGCTCTGGCTTGTGTCTGTTCAGGAGGAGAACATTTGCCTGCACTGGGCGGCGTTCTCC[G>A]GCTGCGTGGACATAGCCGAGATCCTGCTGGCTGCCAAGTGCGACCTCCACGCCGTGAACA-3'
Protein context (NP_079033.4, residues 907-927): NICLHWAAFS[Gly917Ser]CVDIAEILLA